The following is an entry in ClinVar:

ClinVar aggregate classification (germline): Uncertain significance (1 of 4 stars; one submission).

gnomAD v4.1: 1 of 1,613,388 alleles (0.000062%); highest among the groups gnomAD compares: African/African-American, 0.0013%; no homozygotes.

Submission:

Labcorp Genetics (formerly Invitae), Labcorp
Classification: Uncertain significance. Last evaluated: 2024-08-20. Review status: criteria provided, single submitter. Criteria: Invitae Variant Classification Sherloc (09022015). Collection method: clinical testing. Allele origin: germline.
Comment: This sequence change replaces arginine, which is basic and polar, with serine, which is neutral and polar, at codon 790 of the ABL1 protein (p.Arg790Ser). This variant is not present in population databases (gnomAD no frequency). This variant has not been reported in the literature in individuals affected with ABL1-related conditions. Invitae Evidence Modeling of protein sequence and biophysical properties (such as structural, functional, and spatial information, amino acid conservation, physicochemical variation, residue mobility, and thermodynamic stability) indicates that this missense variant is not expected to disrupt ABL1 protein function with a negative predictive value of 95%. In summary, the available evidence is currently insufficient to determine the role of this variant in disease. Therefore, it has been classified as a Variant of Uncertain Significance.

NM_005157.6(ABL1):c.2313G>T (p.Arg771Ser)

Gene: ABL1 (ABL proto-oncogene 1, non-receptor tyrosine kinase; plus strand). Cytogenetic location: 9q34.12.
Variant type: single nucleotide variant.
Coding change: c.2313G>T on transcript NM_005157.6 (MANE Select); coding-DNA position 2313, G replaced by T.
Protein change: p.Arg771Ser; replaces arginine 771 with serine.
Molecular consequence: missense variant.
Genome position (GRCh38, 1-based): chr9:130,884,603, G>T. VCF-style: chr9-130884603-G-T. GRCh37 (hg19) VCF-style: chr9-133759990-G-T.
Other names: c.2370G>T, p.Arg790Ser (NM_007313.3); short protein forms R790S, R771S.
Identifiers: ClinVar variation 3694668 (VCV003694668.2).
Genomic context (GRCh38, chr9:130,884,603, plus strand): 5'-ATTTGGAGGGCACAAAAGTGAGAAGCCGGCTCTGCCTCGGAAGAGGGCAGGGGAGAACAG[G>T]TCTGACCAGGTGACCCGAGGCACAGTAACGCCTCCCCCCAGGCTGGTGAAAAAGAATGAG-3'
Protein context (NP_005148.2, residues 761-781): ALPRKRAGEN[Arg771Ser]SDQVTRGTVT